The following is an entry in ClinVar:

NM_000051.4(ATM):c.7936A>C (p.Asn2646His)

Genes: ATM (ATM serine/threonine kinase; plus strand), C11orf65 (chromosome 11 open reading frame 65; minus strand). Cytogenetic location: 11q22.3.
Variant type: single nucleotide variant.
Coding change: c.7936A>C on transcript NM_000051.4 (MANE Select); coding-DNA position 7936, A replaced by C.
Protein change: p.Asn2646His; replaces asparagine 2646 with histidine.
Molecular consequence: missense variant. On other transcripts: intron variant (2).
Genome position (GRCh38, 1-based): chr11:108,333,894, A>C. VCF-style: chr11-108333894-A-C. GRCh37 (hg19) VCF-style: chr11-108204621-A-C.
Other names: c.7936A>C, p.Asn2646His (NM_001351834.2); c.641-24823T>G (NM_001330368.2); c.*38+1326T>G (NM_001351110.2); short protein forms N2646H.
Identifiers: ClinVar variation 407517 (VCV000407517.7), dbSNP rs1060501575, ClinGen allele CA16613141.

ClinVar aggregate classification (germline): Uncertain significance (1 of 4 stars; one submission).

Conditions:
Ataxia-telangiectasia syndrome (AT). Also called: LOUIS-BAR SYNDROME; Cerebello-oculocutaneous telangiectasia; Immunodeficiency with ataxia telangiectasia; Ataxia-telangiectasia, complementation group D; AT, COMPLEMENTATION GROUP C; Ataxia-telangiectasia, complementation group E. Identifiers: Orphanet 100, MedGen C0004135, MONDO:0008840, OMIM 208900.

Submission:

Labcorp Genetics (formerly Invitae), Labcorp
Classification: Uncertain significance for Ataxia-telangiectasia syndrome. Last evaluated: 2021-08-24. Review status: criteria provided, single submitter. Criteria: Invitae Variant Classification Sherloc (09022015). Collection method: clinical testing. Allele origin: germline.
Comment: This sequence change replaces asparagine with histidine at codon 2646 of the ATM protein (p.Asn2646His). The asparagine residue is weakly conserved and there is a small physicochemical difference between asparagine and histidine. This variant is not present in population databases (ExAC no frequency). This variant has not been reported in the literature in individuals affected with ATM-related conditions. Algorithms developed to predict the effect of missense changes on protein structure and function (SIFT, PolyPhen-2, Align-GVGD) all suggest that this variant is likely to be tolerated. In summary, the available evidence is currently insufficient to determine the role of this variant in disease. Therefore, it has been classified as a Variant of Uncertain Significance.